The following is an entry in ClinVar:

ClinVar aggregate classification (germline): Uncertain significance (1 of 4 stars; one submission).

Submission:

GeneDx
Classification: Uncertain significance. Last evaluated: 2023-06-26. Review status: criteria provided, single submitter. Criteria: GeneDx Variant Classification Process June 2021. Collection method: clinical testing. Allele origin: germline. Affected: yes.
Comment: Not observed at significant frequency in large population cohorts (gnomAD); In silico analysis supports that this missense variant does not alter protein structure/function; Has not been previously published as pathogenic or benign to our knowledge

NM_000702.4(ATP1A2):c.394G>A (p.Val132Met)

Gene: ATP1A2 (ATPase Na+/K+ transporting subunit alpha 2; plus strand). Cytogenetic location: 1q23.2.
Variant type: single nucleotide variant.
Coding change: c.394G>A on transcript NM_000702.4 (MANE Select); coding-DNA position 394, G replaced by A.
Protein change: p.Val132Met; replaces valine 132 with methionine.
Molecular consequence: missense variant.
Genome position (GRCh38, 1-based): chr1:160,123,955, G>A. VCF-style: chr1-160123955-G-A. GRCh37 (hg19) VCF-style: chr1-160093745-G-A.
Other names: short protein forms V132M.
Identifiers: ClinVar variation 3360352 (VCV003360352.1).